The following is an entry in ClinVar:

NM_014915.3(ANKRD26):c.1947T>A (p.Asp649Glu)

Gene: ANKRD26 (ankyrin repeat domain 26; minus strand). Cytogenetic location: 10p12.1.
Variant type: single nucleotide variant.
Coding change: c.1947T>A on transcript NM_014915.3 (MANE Select); coding-DNA position 1947, T replaced by A.
Protein change: p.Asp649Glu; replaces aspartic acid 649 with glutamic acid.
Molecular consequence: missense variant.
Genome position (GRCh38, 1-based): chr10:27,046,391, A>T on the plus strand (T>A on the coding strand, the complement: ANKRD26 is on the minus strand). VCF-style: chr10-27046391-A-T. GRCh37 (hg19) VCF-style: chr10-27335320-A-T.
Other names: c.1944T>A, p.Asp648Glu (NM_001256053.2); short protein forms D648E, D649E.
Identifiers: ClinVar variation 5023404 (VCV005023404.1).

ClinVar aggregate classification (germline): Uncertain significance (1 of 4 stars; one submission).

Conditions:
Inborn genetic diseases. Identifiers: MedGen C0950123, MeSH D030342.

Submission:

Ambry Genetics
Classification: Uncertain significance for Inborn genetic diseases. Last evaluated: 2026-08-02. Review status: criteria provided, single submitter. Criteria: Ambry Variant Classification Scheme 2023. Collection method: clinical testing. Allele origin: germline.
Comment: The p.D649E variant (also known as c.1947T>A), located in coding exon 18 of the ANKRD26 gene, results from a T to A substitution at nucleotide position 1947. The aspartic acid at codon 649 is replaced by glutamic acid, an amino acid with highly similar properties. This amino acid position is conserved. In addition, this alteration is predicted to be tolerated by in silico analysis. Based on the available evidence, the clinical significance of this variant remains unclear.